The following is an entry in ClinVar:

ClinVar aggregate classification (germline): Likely benign. Review status: criteria provided, single submitter (1 of 4 stars). 2 submissions from 2 submitters: Likely benign (1). 1 of the submissions does not count toward it. Last evaluated 2025-10-19.

Conditions:
FBXW7-related disorder. Also called: FBXW7-related disorders; FBXW7-related condition.

Allele frequency attached by ClinVar (database versions not stated): TOPMed 0.00002; ExAC 0.00004; gnomAD 0.00004.
gnomAD v4.1: 66 of 1,598,234 alleles (0.0041%); highest among the groups gnomAD compares: Non-Finnish European, 0.0052%; no homozygotes.

Submissions (2):

Labcorp Genetics (formerly Invitae), Labcorp
Classification: Likely benign. Last evaluated: 2025-10-19. Review status: criteria provided, single submitter. Criteria: Invitae Variant Classification Sherloc (09022015). Collection method: clinical testing. Allele origin: germline.

PreventionGenetics, part of Exact Sciences
Classification: Likely benign for FBXW7-related condition. Last evaluated: 2019-03-27. Review status: no assertion criteria provided. Collection method: clinical testing. Allele origin: germline. Not counted in ClinVar's aggregate classification.
Comment: This variant is classified as likely benign based on ACMG/AMP sequence variant interpretation guidelines (Richards et al. 2015 PMID: 25741868, with internal and published modifications).

NM_001349798.2(FBXW7):c.1419-10C>G

Gene: FBXW7 (F-box and WD repeat domain containing 7; minus strand). Cytogenetic location: 4q31.3.
Variant type: single nucleotide variant.
Coding change: c.1419-10C>G on transcript NM_001349798.2 (MANE Select); 10 bases into the intron before coding-DNA position 1419, C replaced by G.
Molecular consequence: intron variant.
Genome position (GRCh38, 1-based): chr4:152,326,241, G>C on the plus strand (C>G on the coding strand, the complement: FBXW7 is on the minus strand). VCF-style: chr4-152326241-G-C. GRCh37 (hg19) VCF-style: chr4-153247393-G-C.
Other names: c.1065-10C>G (NM_001013415.2); c.1179-10C>G (NM_018315.5); c.1419-10C>G (NM_033632.3).
Identifiers: ClinVar variation 3046931 (VCV003046931.3), dbSNP rs532283658, ClinGen allele CA3106164.